The following is an entry in ClinVar:

NM_052947.4(ALPK2):c.2669T>C (p.Phe890Ser)

Gene: ALPK2 (alpha kinase 2; minus strand). Cytogenetic location: 18q21.31.
Variant type: single nucleotide variant.
Coding change: c.2669T>C on transcript NM_052947.4 (MANE Select); coding-DNA position 2669, T replaced by C.
Protein change: p.Phe890Ser; replaces phenylalanine 890 with serine.
Molecular consequence: missense variant.
Genome position (GRCh38, 1-based): chr18:58,537,518, A>G on the plus strand (T>C on the coding strand, the complement: ALPK2 is on the minus strand). VCF-style: chr18-58537518-A-G. GRCh37 (hg19) VCF-style: chr18-56204750-A-G.
Other names: short protein forms F890S.
Identifiers: ClinVar variation 1794526 (VCV001794526.2), dbSNP rs2518877404, ClinGen allele CA402570032.
Genomic context (GRCh38, chr18:58,537,518, plus strand): 5'-TTTTCTCCTGTGGCACCTTCACTAGCTGTGTGTGAAATGTTCAAGGTGAAAGTACTGGTA[A>G]AAAGAGGGGACATGACTGAGTTGCCGTCCTTGCTGCTTTTGCACGTAGACACTGAAGTCT-3'
Protein context (NP_443179.3, residues 880-900): KDGNSVMSPL[Phe890Ser]TSTFTLNISH

ClinVar aggregate classification (germline): Uncertain significance (1 of 4 stars; one submission).

Submission:

Ambry Genetics
Classification: Uncertain significance. Last evaluated: 2021-06-28. Review status: criteria provided, single submitter. Criteria: Ambry Variant Classification Scheme 2023. Collection method: clinical testing. Allele origin: germline.
Comment: The p.F890S variant (also known as c.2669T>C), located in coding exon 4 of the ALPK2 gene, results from a T to C substitution at nucleotide position 2669. The phenylalanine at codon 890 is replaced by serine, an amino acid with highly dissimilar properties. This amino acid position is conserved. In addition, this alteration is predicted to be tolerated by in silico analysis. Since supporting evidence is limited at this time, the clinical significance of this alteration remains unclear.